The following is an entry in ClinVar:

NM_001012339.3(DNAJC21):c.673G>T (p.Glu225Ter)

Gene: DNAJC21 (DnaJ heat shock protein family (Hsp40) member C21; plus strand). Cytogenetic location: 5p13.2.
Variant type: single nucleotide variant.
Coding change: c.673G>T on transcript NM_001012339.3 (MANE Select); coding-DNA position 673, G replaced by T.
Protein change: p.Glu225Ter; replaces glutamic acid 225 with a stop codon.
Molecular consequence: nonsense.
Genome position (GRCh38, 1-based): chr5:34,937,560, G>T. VCF-style: chr5-34937560-G-T. GRCh37 (hg19) VCF-style: chr5-34937665-G-T.
Other names: c.673G>T, p.Glu225Ter (NM_001348420.2, NM_194283.4); short protein forms E225*.
Identifiers: ClinVar variation 1394237 (VCV001394237.7), dbSNP rs556917839, ClinGen allele CA3228521.

ClinVar aggregate classification (germline): Pathogenic. Review status: criteria provided, multiple submitters, no conflicts (2 of 4 stars). 2 submissions from 2 submitters: Pathogenic (2). Last evaluated 2021-02-15.

Conditions:
Bone marrow failure syndrome 3 (BMFS3). Identifiers: MedGen C4310744, MONDO:0014887, OMIM 617052.

gnomAD v4.1: 3 of 1,613,982 alleles (0.00019%); highest among the groups gnomAD compares: Non-Finnish European, 0.00025%; no homozygotes.

Submissions (2):

Labcorp Genetics (formerly Invitae), Labcorp
Classification: Pathogenic. Last evaluated: 2021-02-15. Review status: criteria provided, single submitter. Criteria: Invitae Variant Classification Sherloc (09022015). Collection method: clinical testing. Allele origin: germline.
Comment: This sequence change creates a premature translational stop signal (p.Glu225*) in the DNAJC21 gene. It is expected to result in an absent or disrupted protein product. Loss-of-function variants in DNAJC21 are known to be pathogenic (PMID: 27346687, 28062395). For these reasons, this variant has been classified as Pathogenic. Algorithms developed to predict the effect of sequence changes on RNA splicing suggest that this variant may create or strengthen a splice site, but this prediction has not been confirmed by published transcriptional studies. This variant has not been reported in the literature in individuals with DNAJC21-related conditions. This variant is present in population databases (rs556917839, ExAC 0.002%).

Victorian Clinical Genetics Services, Murdoch Childrens Research Institute
Classification: Pathogenic for Bone marrow failure syndrome 3. Last evaluated: 2020-05-25. Review status: criteria provided, single submitter. Criteria: ACMG Guidelines, 2015. Collection method: clinical testing. Allele origin: germline. Inheritance: Autosomal recessive inheritance. Affected: yes.
Comment: Based on the classification scheme VCGS_Germline_v1.1.1, this variant is classified as Pathogenic. Following criteria are met: 0102 - Loss-of-function is a known mechanism of disease for this gene. (N) 0106 - This gene is known to be associated with autosomal recessive disease. (N) 0201 - Variant is predicted to cause nonsense-mediated decay (NMD) and loss of protein (exon 5 of 13). (P) 0251 - Variant is heterozygous. (N) 0304 - Variant is present in gnomAD <0.01 for a recessive condition (2 heterozygotes, 0 homozygotes). (P) 0402 - Variant is located in a gene associated with a severe early onset recessive condition that is intolerant to bi-allelic loss-of-function variants. (P) 0702 - Comparable variants have strong previous evidence for pathogenicity. Multiple NMD predicted variant reported as pathogenic (ClinVar, PMID: 27346687, 28062395). (P) 0807 - Variant has not previously been reported in a clinical context. (N) 0905 - No segregation evidence has been identified for this variant. (N) 1007 - No published functional evidence has been identified for this variant. (N) 1208 - Inheritance information for this variant is not currently available. (N) Legend: (P) - Pathogenic, (N) - Neutral, (B) - Benign

Literature cited by the submitters: PubMed 27346687 (cited by Labcorp Genetics (formerly Invitae), Labcorp and Victorian Clinical Genetics Services, Murdoch Childrens Research Institute); PubMed 28062395 (cited by Labcorp Genetics (formerly Invitae), Labcorp and Victorian Clinical Genetics Services, Murdoch Childrens Research Institute).